The following is an entry in ClinVar:

ClinVar aggregate classification (germline): Uncertain significance. Review status: criteria provided, multiple submitters, no conflicts (2 of 4 stars). 4 submissions from 4 submitters: Uncertain significance (3). 1 of the submissions does not count toward it. Last evaluated 2024-05-29.

Conditions:
Epilepsy, early-onset, with or without developmental delay. Identifiers: MedGen C5882670, MONDO:0030005, OMIM 618832.

Allele frequency attached by ClinVar (database versions not stated): gnomAD exomes 0.00008 and 0.00009; TOPMed 0.00008; ExAC 0.00010; gnomAD 0.00006 and 0.00009; 1000 Genomes Project 30x 0.00062.
gnomAD v4.1: 118 of 1,529,236 alleles (0.0077%); highest among the groups gnomAD compares: South Asian, 0.031%; no homozygotes.

Submissions (4):

Revvity Omics, Revvity
Classification: Uncertain significance. Last evaluated: 2024-05-29. Review status: criteria provided, single submitter. Criteria: ACMG Guidelines, 2015. Collection method: clinical testing. Allele origin: germline.

Institute for Clinical Genetics, University Hospital TU Dresden, University Hospital TU Dresden
Classification: Uncertain significance. Last evaluated: 2023-06-07. Review status: criteria provided, single submitter. Criteria: ACMG Guidelines, 2015. Collection method: clinical testing. Allele origin: maternal.
Comment: PM2_SUP

Clinical Genetics Laboratory, Skane University Hospital Lund
Classification: Uncertain significance. Last evaluated: 2022-05-27. Review status: criteria provided, single submitter. Criteria: ACMG Guidelines, 2015. Collection method: clinical testing. Allele origin: germline. Affected: yes.

OMIM
Classification: Pathogenic for EPILEPSY, EARLY-ONSET, 2, WITH DEVELOPMENTAL DELAY. Last evaluated: 2023-08-14. Review status: no assertion criteria provided. Collection method: literature only. Allele origin: germline. Not counted in ClinVar's aggregate classification.

Literature cited by the submitters: PubMed 31197650 (cited by OMIM).

NM_014712.3(SETD1A):c.4175G>A (p.Arg1392His)

Gene: SETD1A (SET domain containing 1A, histone lysine methyltransferase; plus strand). Cytogenetic location: 16p11.2.
Variant type: single nucleotide variant.
Coding change: c.4175G>A on transcript NM_014712.3 (MANE Select); coding-DNA position 4175, G replaced by A.
Protein change: p.Arg1392His; replaces arginine 1392 with histidine.
Molecular consequence: missense variant.
Genome position (GRCh38, 1-based): chr16:30,979,961, G>A. VCF-style: chr16-30979961-G-A. GRCh37 (hg19) VCF-style: chr16-30991282-G-A.
Other names: short protein forms R1392H.
Identifiers: ClinVar variation 834093 (VCV000834093.6), dbSNP rs772206552, ClinGen allele CA8017466.
Genomic context (GRCh38, chr16:30,979,961, plus strand): 5'-AGGAGGAGGAGTCCTCTGACAGCAGCAGCAGCAGCGATGGGGAGGGCGCCCTCCGGAGGC[G>A]CAGCCTCCGCTCCCACGCCCGGCGCCGCCGCCCTCCGCCCCCACCCCCGCCGCCACCGCC-3'
Protein context (NP_055527.1, residues 1382-1402): SSDGEGALRR[Arg1392His]SLRSHARRRR